The following is an entry in ClinVar:

NM_201596.3(CACNB2):c.596A>C (p.Lys199Thr)

Gene: CACNB2 (calcium voltage-gated channel auxiliary subunit beta 2; plus strand). Cytogenetic location: 10p12.31.
Variant type: single nucleotide variant.
Coding change: c.596A>C on transcript NM_201596.3 (MANE Select); coding-DNA position 596, A replaced by C.
Protein change: p.Lys199Thr; replaces lysine 199 with threonine.
Molecular consequence: missense variant.
Genome position (GRCh38, 1-based): chr10:18,506,473, A>C. VCF-style: chr10-18506473-A-C. GRCh37 (hg19) VCF-style: chr10-18795402-A-C.
Other names: c.431A>C, p.Lys144Thr (NM_000724.4, NM_001330060.2); c.512A>C, p.Lys171Thr (NM_001167945.2, NM_201571.4, NM_201572.4); c.452A>C, p.Lys151Thr (NM_001410882.1, NM_201570.3); c.434A>C, p.Lys145Thr (NM_201590.3); c.596A>C, p.Lys199Thr (NM_201593.3, NM_201597.3); short protein forms K144T, K145T, K151T, K171T, K199T.
Identifiers: ClinVar variation 3230204 (VCV003230204.1), dbSNP rs2494422836, ClinGen allele CA376059182.

ClinVar aggregate classification (germline): Uncertain significance (1 of 4 stars; one submission).

Conditions:
Cardiovascular phenotype. Identifiers: MedGen CN230736.

Submission:

Ambry Genetics
Classification: Uncertain significance for Cardiovascular phenotype. Last evaluated: 2023-12-29. Review status: criteria provided, single submitter. Criteria: Ambry Variant Classification Scheme 2023. Collection method: clinical testing. Allele origin: germline.
Comment: The p.K145T variant (also known as c.434A>C), located in coding exon 5 of the CACNB2 gene, results from an A to C substitution at nucleotide position 434. The lysine at codon 145 is replaced by threonine, an amino acid with similar properties. This amino acid position is conserved. In addition, the in silico prediction for this alteration is inconclusive. Since supporting evidence is limited at this time, the clinical significance of this alteration remains unclear.